The following is an entry in ClinVar:

NM_000081.4(LYST):c.3177T>C (p.Ala1059=)

Gene: LYST (lysosomal trafficking regulator; minus strand). Cytogenetic location: 1q42.3.
Variant type: single nucleotide variant.
Coding change: c.3177T>C on transcript NM_000081.4 (MANE Select); coding-DNA position 3177, T replaced by C.
Protein change: p.Ala1059=; no amino-acid change (alanine 1059 retained).
Molecular consequence: synonymous variant.
Genome position (GRCh38, 1-based): chr1:235,805,959, A>G on the plus strand (T>C on the coding strand, the complement: LYST is on the minus strand). VCF-style: chr1-235805959-A-G. GRCh37 (hg19) VCF-style: chr1-235969259-A-G.
Other names: p.Ala1059=; c.3177T>C, p.Ala1059= (NM_001301365.1).
Identifiers: ClinVar variation 749157 (VCV000749157.15), dbSNP rs371576746, ClinGen allele CA1467128.

ClinVar aggregate classification (germline): Likely benign. Review status: criteria provided, multiple submitters, no conflicts (2 of 4 stars). 5 submissions from 5 submitters: Likely benign (3). 2 of the submissions do not count toward it. Last evaluated 2026-01-13.

Conditions:
Chédiak-Higashi syndrome (CHS). Also called: Chediak-Higashi Syndrome. Identifiers: Orphanet 167, MedGen C0007965, MONDO:0008963, OMIM 214500.

Allele frequency attached by ClinVar (database versions not stated): TOPMed 0.00002; gnomAD 0.00003; gnomAD exomes 0.00003 and 0.00005; ExAC 0.00006; ESP Exome Variant Server 0.00008.
gnomAD v4.1: 46 of 1,613,856 alleles (0.0029%); highest among the groups gnomAD compares: Middle Eastern, 0.033%; no homozygotes.

Submissions (5):

Labcorp Genetics (formerly Invitae), Labcorp
Classification: Likely benign for Chédiak-Higashi syndrome. Last evaluated: 2026-01-13. Review status: criteria provided, single submitter. Criteria: Invitae Variant Classification Sherloc (09022015). Collection method: clinical testing. Allele origin: germline.

Mayo Clinic Laboratories, Mayo Clinic
Classification: Likely benign. Last evaluated: 2025-08-07. Review status: criteria provided, single submitter. Criteria: ACMG Guidelines, 2015. Collection method: clinical testing. Allele origin: germline. Observed: 1 variant allele.
Comment: BP4, BP7

Blueprint Genetics
Classification: Likely benign. Last evaluated: 2024-08-15. Review status: criteria provided, single submitter. Criteria: ACMG Guidelines, 2015. Collection method: clinical testing. Allele origin: germline.

Clinical Genetics DNA and cytogenetics Diagnostics Lab, Erasmus MC, Erasmus Medical Center
Classification: Likely benign. Review status: no assertion criteria provided. Collection method: clinical testing. Allele origin: germline. Affected: yes. Study: VKGL Data-share Consensus. Not counted in ClinVar's aggregate classification.

Clinical Genetics, Academic Medical Center
Classification: Likely benign. Review status: no assertion criteria provided. Collection method: clinical testing. Allele origin: germline. Affected: yes. Study: VKGL Data-share Consensus. Not counted in ClinVar's aggregate classification.